The following is an entry in ClinVar:

ClinVar aggregate classification (germline): Uncertain significance. Review status: criteria provided, multiple submitters, no conflicts (2 of 4 stars). 2 submissions from 2 submitters: Uncertain significance (2). Last evaluated 2023-11-30.

Conditions:
Hereditary cancer-predisposing syndrome. Also called: Neoplastic Syndromes, Hereditary; Hereditary neoplastic syndrome; Tumor predisposition; Hereditary Cancer Syndrome. Identifiers: Orphanet 140162, MedGen C0027672, MeSH D009386, MONDO:0015356.

Allele frequency attached by ClinVar (database versions not stated): gnomAD exomes below 0.00001; ExAC 0.00001.
gnomAD v4.1: 1 of 1,611,342 alleles (0.000062%); highest among the groups gnomAD compares: East Asian, 0.0022%; no homozygotes.

Submissions (2):

Ambry Genetics
Classification: Uncertain significance for Hereditary cancer-predisposing syndrome. Last evaluated: 2023-11-30. Review status: criteria provided, single submitter. Criteria: Ambry Variant Classification Scheme 2023. Collection method: clinical testing. Allele origin: germline.
Comment: The p.V348I variant (also known as c.1042G>A), located in coding exon 7 of the RAD50 gene, results from a G to A substitution at nucleotide position 1042. The valine at codon 348 is replaced by isoleucine, an amino acid with highly similar properties. This amino acid position is well conserved in available vertebrate species; however, isoleucine is the reference amino acid in other vertebrate species. In addition, this alteration is predicted to be tolerated by in silico analysis. Since supporting evidence is limited at this time, the clinical significance of this alteration remains unclear.

Labcorp Genetics (formerly Invitae), Labcorp
Classification: Uncertain significance for Hereditary cancer-predisposing syndrome. Last evaluated: 2023-10-19. Review status: criteria provided, single submitter. Criteria: Invitae Variant Classification Sherloc (09022015). Collection method: clinical testing. Allele origin: germline.
Comment: This sequence change replaces valine, which is neutral and non-polar, with isoleucine, which is neutral and non-polar, at codon 348 of the RAD50 protein (p.Val348Ile). This variant is present in population databases (rs764034690, gnomAD 0.006%). This variant has not been reported in the literature in individuals affected with RAD50-related conditions. ClinVar contains an entry for this variant (Variation ID: 240207). Advanced modeling of protein sequence and biophysical properties (such as structural, functional, and spatial information, amino acid conservation, physicochemical variation, residue mobility, and thermodynamic stability) performed at Invitae indicates that this missense variant is not expected to disrupt RAD50 protein function. In summary, the available evidence is currently insufficient to determine the role of this variant in disease. Therefore, it has been classified as a Variant of Uncertain Significance.

NM_005732.4(RAD50):c.1042G>A (p.Val348Ile)

Gene: RAD50 (RAD50 double strand break repair protein; plus strand). Cytogenetic location: 5q31.1.
Variant type: single nucleotide variant.
Coding change: c.1042G>A on transcript NM_005732.4 (MANE Select); coding-DNA position 1042, G replaced by A.
Protein change: p.Val348Ile; replaces valine 348 with isoleucine.
Molecular consequence: missense variant.
Genome position (GRCh38, 1-based): chr5:132,588,080, G>A. VCF-style: chr5-132588080-G-A. GRCh37 (hg19) VCF-style: chr5-131923772-G-A.
Other names: short protein forms V348I.
Identifiers: ClinVar variation 240207 (VCV000240207.11), dbSNP rs764034690, ClinGen allele CA3405078.